The following is an entry in ClinVar:

NM_000238.4(KCNH2):c.2097G>A (p.Glu699=)

Gene: KCNH2 (potassium voltage-gated channel subfamily H member 2; minus strand). Cytogenetic location: 7q36.1.
Variant type: single nucleotide variant.
Coding change: c.2097G>A on transcript NM_000238.4 (MANE Select); coding-DNA position 2097, G replaced by A.
Protein change: p.Glu699=; no amino-acid change (glutamic acid 699 retained).
Molecular consequence: synonymous variant. On other transcripts: non-coding transcript variant (2).
Genome position (GRCh38, 1-based): chr7:150,950,969, C>T on the plus strand (G>A on the coding strand, the complement: KCNH2 is on the minus strand). VCF-style: chr7-150950969-C-T. GRCh37 (hg19) VCF-style: chr7-150648057-C-T.
Other names: c.1077G>A, p.Glu359= (NM_001204798.2, NM_172057.3); c.1809G>A, p.Glu603= (NM_001406753.1, NM_001406756.1); c.1920G>A, p.Glu640= (NM_001406755.1); c.1797G>A, p.Glu599= (NM_001406757.1); c.2097G>A, p.Glu699= (NM_172056.3).
Identifiers: ClinVar variation 1559812 (VCV001559812.28), dbSNP rs550680502, ClinGen allele CA458645349.

ClinVar aggregate classification (germline): Likely benign. Review status: criteria provided, multiple submitters, no conflicts (2 of 4 stars). 3 submissions from 3 submitters: Likely benign (3). Last evaluated 2025-06-09.

Conditions:
Cardiac arrhythmia. Also called: Cardiac rhythm disease; Arrhythmia. Identifiers: MedGen C0003811, MONDO:0007263, HP:0011675.
Long QT syndrome (LQTS). Identifiers: MedGen C0023976, MeSH D008133, MONDO:0002442. Disease mechanism: loss of function. Inheritance: Various modes of inheritance.

Submissions (3):

Color Diagnostics, LLC DBA Color Health
Classification: Likely benign for Cardiac arrhythmia. Last evaluated: 2025-06-09. Review status: criteria provided, single submitter. Criteria: ACMG Guidelines, 2015. Collection method: clinical testing. Allele origin: germline.

CeGaT Center for Human Genetics Tuebingen
Classification: Likely benign. Last evaluated: 2024-06-01. Review status: criteria provided, single submitter. Criteria: CeGaT Center For Human Genetics Tuebingen Variant Classification Criteria Version 2. Collection method: clinical testing. Allele origin: germline. Affected: yes. Observed: 1 variant allele.
Comment: KCNH2: BP4, BP7

Labcorp Genetics (formerly Invitae), Labcorp
Classification: Likely benign for Long QT syndrome. Last evaluated: 2022-06-22. Review status: criteria provided, single submitter. Criteria: Invitae Variant Classification Sherloc (09022015). Collection method: clinical testing. Allele origin: germline.